The following is an entry in ClinVar:

NM_000093.5(COL5A1):c.2701-103C>A

Gene: COL5A1 (collagen type V alpha 1 chain; plus strand). Cytogenetic location: 9q34.3.
Variant type: single nucleotide variant.
Coding change: c.2701-103C>A on transcript NM_000093.5 (MANE Select); 103 bases into the intron before coding-DNA position 2701, C replaced by A.
Molecular consequence: intron variant.
Genome position (GRCh38, 1-based): chr9:134,794,979, C>A. VCF-style: chr9-134794979-C-A. GRCh37 (hg19) VCF-style: chr9-137686825-C-A.
Other names: c.2701-103C>A (NM_001278074.1).
Identifiers: ClinVar variation 674680 (VCV000674680.2), dbSNP rs41306388, ClinGen allele CA201108579.

ClinVar aggregate classification (germline): Benign. Review status: criteria provided, multiple submitters, no conflicts (2 of 4 stars). 2 submissions from 2 submitters: Benign (2). Last evaluated 2018-06-14.

Allele frequency attached by ClinVar (database versions not stated): gnomAD exomes 0.04190; gnomAD 0.06424 and 0.06560; TOPMed 0.06795; 1000 Genomes Project 30x 0.07261; 1000 Genomes Project 0.07428.
gnomAD v4.1: 59,906 of 1,338,282 alleles (4.5%); highest among the groups gnomAD compares: African/African-American, 12%; 1,830 homozygotes.

Submissions (2):

GeneDx
Classification: Benign. Last evaluated: 2018-06-14. Review status: criteria provided, single submitter. Criteria: GeneDx Variant Classification (06012015). Collection method: clinical testing. Allele origin: germline. Affected: yes.
Comment: This variant is considered likely benign or benign based on one or more of the following criteria: it is a conservative change, it occurs at a poorly conserved position in the protein, it is predicted to be benign by multiple in silico algorithms, and/or has population frequency not consistent with disease.

Breakthrough Genomics
Classification: Benign. Review status: criteria provided, single submitter. Criteria: ACMG Guidelines, 2015. Collection method: not provided. Allele origin: germline. Inheritance: Autosomal dominant inheritance. Affected: yes.